The following is an entry in ClinVar:

ClinVar aggregate classification (germline): Uncertain significance (1 of 4 stars; one submission).

Conditions:
Charcot-Marie-Tooth disease axonal type 2P. Also called: CHARCOT-MARIE-TOOTH DISEASE, AXONAL, TYPE 2G; CMT 2G; CHARCOT-MARIE-TOOTH NEUROPATHY, TYPE 2P; Charcot-Marie-Tooth Neuropathy Type 2G. Identifiers: Orphanet 300319, Orphanet 99941, MedGen C3280797, MONDO:0013753, OMIM 614436.

Submission:

Labcorp Genetics (formerly Invitae), Labcorp
Classification: Uncertain significance for Charcot-Marie-Tooth disease axonal type 2P. Last evaluated: 2024-09-23. Review status: criteria provided, single submitter. Criteria: Invitae Variant Classification Sherloc (09022015). Collection method: clinical testing. Allele origin: germline.
Comment: This sequence change falls in intron 23 of the LRSAM1 gene. It does not directly change the encoded amino acid sequence of the LRSAM1 protein. It affects a nucleotide within the consensus splice site. Information on the frequency of this variant in the gnomAD database is not available, as this variant may be reported differently in the database. This variant has not been reported in the literature in individuals affected with LRSAM1-related conditions. ClinVar contains an entry for this variant (Variation ID: 851234). Variants that disrupt the consensus splice site are a relatively common cause of aberrant splicing (PMID: 17576681, 9536098). In summary, the available evidence is currently insufficient to determine the role of this variant in disease. Therefore, it has been classified as a Variant of Uncertain Significance.

Literature cited by the submitters: PubMed 17576681; PubMed 9536098.

NM_001005373.4(LRSAM1):c.1912+4_1912+5delinsTC

Gene: LRSAM1 (leucine rich repeat and sterile alpha motif containing 1; plus strand). Cytogenetic location: 9q33.3.
Variant type: Indel.
Coding change: c.1912+4_1912+5delinsTC on transcript NM_001005373.4 (MANE Select); bases 4 to 5 of the intron after coding-DNA position 1912, CA replaced by TC.
Molecular consequence: intron variant.
Genome position (GRCh38, 1-based): chr9:127,497,338-127,497,339, CA replaced by TC. VCF-style: chr9-127497338-CA-TC. GRCh37 (hg19) VCF-style: chr9-130259617-CA-TC.
Other names: c.1912+4_1912+5delinsTC (NM_138361.5, NM_001384142.1, NM_001005374.4); c.1813+4_1813+5delinsTC (NM_001384143.1); c.1831+4_1831+5delinsTC (NM_001190723.3); c.1123+4_1123+5delinsTC (NM_001384144.1).
Identifiers: ClinVar variation 851234 (VCV000851234.9), dbSNP rs1836189857, ClinGen allele CA916081542.
Genomic context (GRCh38, chr9:127,497,338, plus strand): 5'-AGCACGAGATCCTCCGGAGAGTCCAGGAACTGCTGGATGCAGCCAGGATCCAGCCAGGTA[CA>TC]AGCACAGCTCCAGCCTCTTCCAGGCAGGGCTCCAGCCGTATGTGTGGGCTCTGGTGGGGA-3'